The following is an entry in ClinVar:

NM_000051.4(ATM):c.4616T>C (p.Leu1539Ser)

Gene: ATM (ATM serine/threonine kinase; plus strand). Cytogenetic location: 11q22.3.
Variant type: single nucleotide variant.
Coding change: c.4616T>C on transcript NM_000051.4 (MANE Select); coding-DNA position 4616, T replaced by C.
Protein change: p.Leu1539Ser; replaces leucine 1539 with serine.
Molecular consequence: missense variant.
Genome position (GRCh38, 1-based): chr11:108,293,317, T>C. VCF-style: chr11-108293317-T-C. GRCh37 (hg19) VCF-style: chr11-108164044-T-C.
Other names: c.4616T>C, p.Leu1539Ser (NM_001351834.2); short protein forms L1539S.
Identifiers: ClinVar variation 825043 (VCV000825043.5), dbSNP rs1591676806, ClinGen allele CA382534570.

ClinVar aggregate classification (germline): Uncertain significance (1 of 4 stars; one submission).

Conditions:
Hereditary cancer-predisposing syndrome. Also called: Neoplastic Syndromes, Hereditary; Tumor predisposition; Hereditary neoplastic syndrome; Hereditary Cancer Syndrome. Identifiers: Orphanet 140162, MedGen C0027672, MeSH D009386, MONDO:0015356.

Submission:

Ambry Genetics
Classification: Uncertain significance for Hereditary cancer-predisposing syndrome. Last evaluated: 2023-06-24. Review status: criteria provided, single submitter. Criteria: Ambry Variant Classification Scheme 2023. Collection method: clinical testing. Allele origin: germline.
Comment: The p.L1539S variant (also known as c.4616T>C), located in coding exon 30 of the ATM gene, results from a T to C substitution at nucleotide position 4616. The leucine at codon 1539 is replaced by serine, an amino acid with dissimilar properties. This amino acid position is well conserved in available vertebrate species. In addition, the in silico prediction for this alteration is inconclusive. Since supporting evidence is limited at this time, the clinical significance of this alteration remains unclear.